The following is an entry in ClinVar:

NM_000484.4(APP):c.563C>T (p.Pro188Leu)

Gene: APP (amyloid beta precursor protein; minus strand). Cytogenetic location: 21q21.3.
Variant type: single nucleotide variant.
Coding change: c.563C>T on transcript NM_000484.4 (MANE Select); coding-DNA position 563, C replaced by T.
Protein change: p.Pro188Leu; replaces proline 188 with leucine.
Molecular consequence: missense variant.
Genome position (GRCh38, 1-based): chr21:26,051,099, G>A on the plus strand (C>T on the coding strand, the complement: APP is on the minus strand). VCF-style: chr21-26051099-G-A. GRCh37 (hg19) VCF-style: chr21-27423415-G-A.
Other names: c.548C>T, p.Pro183Leu (NM_001136016.3); c.395C>T, p.Pro132Leu (NM_001136129.3, NM_001136130.3); c.458C>T, p.Pro153Leu (NM_001136131.3); c.563C>T, p.Pro188Leu (NM_001204301.2, NM_001204302.2, NM_001204303.2 and 3 more transcripts); short protein forms P153L, P183L, P188L, P132L.
Identifiers: ClinVar variation 2907970 (VCV002907970.3), dbSNP rs2516934188, ClinGen allele CA409862895.
Genomic context (GRCh38, chr21:26,051,099, plus strand): 5'-ACATCCGAGTCATCCTCCTCCGCATCAGCAGAATCCACATTGTCACTTTCTTCAGCCAGT[G>A]GGCAACACACAAACTCTACCCCTCGGAACTTGTCAATTCCGCAGGGCAGCAACATGCCGT-3'
Protein context (NP_000475.1, residues 178-198): KFRGVEFVCC[Pro188Leu]LAEESDNVDS

ClinVar aggregate classification (germline): Uncertain significance (1 of 4 stars; one submission).

Conditions:
Alzheimer disease. Also called: Presenile and senile dementia; Alzheimer's disease. Identifiers: Orphanet 1020, MedGen C0002395, MeSH D000544, MONDO:0004975, HP:0002511.

Submission:

Labcorp Genetics (formerly Invitae), Labcorp
Classification: Uncertain significance for Alzheimer disease. Last evaluated: 2023-03-21. Review status: criteria provided, single submitter. Criteria: Invitae Variant Classification Sherloc (09022015). Collection method: clinical testing. Allele origin: germline.
Comment: Advanced modeling of protein sequence and biophysical properties (such as structural, functional, and spatial information, amino acid conservation, physicochemical variation, residue mobility, and thermodynamic stability) has been performed at Invitae for this missense variant, however the output from this modeling did not meet the statistical confidence thresholds required to predict the impact of this variant on APP protein function. In summary, the available evidence is currently insufficient to determine the role of this variant in disease. Therefore, it has been classified as a Variant of Uncertain Significance. This variant has not been reported in the literature in individuals affected with APP-related conditions. This sequence change replaces proline, which is neutral and non-polar, with leucine, which is neutral and non-polar, at codon 188 of the APP protein (p.Pro188Leu). This variant is not present in population databases (gnomAD no frequency).